The following is an entry in ClinVar:

ClinVar aggregate classification (germline): Uncertain significance (1 of 4 stars; one submission).

Conditions:
Charcot-Marie-Tooth Neuropathy X. Identifiers: MedGen CN118851.
Combined oxidative phosphorylation deficiency. Identifiers: MedGen C4540031, MONDO:0000732.

Submission:

Labcorp Genetics (formerly Invitae), Labcorp
Classification: Uncertain significance for Charcot-Marie-Tooth Neuropathy X; Combined oxidative phosphorylation deficiency. Last evaluated: 2018-07-25. Review status: criteria provided, single submitter. Criteria: Invitae Variant Classification Sherloc (09022015). Collection method: clinical testing. Allele origin: germline.
Comment: This variant has not been reported in the literature in individuals with AIFM1-related disease. This sequence change replaces aspartic acid with glutamic acid at codon 570 of the AIFM1 protein (p.Asp570Glu). The aspartic acid residue is highly conserved and there is a small physicochemical difference between aspartic acid and glutamic acid. This variant is not present in population databases (ExAC no frequency). Algorithms developed to predict the effect of missense changes on protein structure and function are either unavailable or do not agree on the potential impact of this missense change (SIFT: "Deleterious"; PolyPhen-2: "Benign"; Align-GVGD: "Class C0"). In summary, the available evidence is currently insufficient to determine the role of this variant in disease. Therefore, it has been classified as a Variant of Uncertain Significance.

NM_004208.4(AIFM1):c.1710C>A (p.Asp570Glu)

Genes: AIFM1 (apoptosis inducing factor mitochondria associated 1; minus strand), RAB33A (RAB33A, member RAS oncogene family; plus strand). Cytogenetic location: Xq26.1.
Variant type: single nucleotide variant.
Coding change: c.1710C>A on transcript NM_004208.4 (MANE Select); coding-DNA position 1710, C replaced by A.
Protein change: p.Asp570Glu; replaces aspartic acid 570 with glutamic acid.
Molecular consequence: missense variant. On other transcripts: 3 prime UTR variant (1), non-coding transcript variant (1).
Genome position (GRCh38, 1-based): chrX:130,130,030, G>T on the plus strand (C>A on the coding strand, the complement: AIFM1 is on the minus strand). VCF-style: chrX-130130030-G-T. GRCh37 (hg19) VCF-style: chrX-129264005-G-T.
Other names: c.693C>A, p.Asp231Glu (NM_001130846.4); c.*938C>A (NM_001130847.4); c.1698C>A, p.Asp566Glu (NM_145812.3); short protein forms D231E, D566E, D570E.
Identifiers: ClinVar variation 643666 (VCV000643666.8), dbSNP rs1603218828, ClinGen allele CA414567989.